The following is an entry in ClinVar:

NM_022773.4(LMF1):c.1262T>A (p.Leu421Gln)

Gene: LMF1 (lipase maturation factor 1; minus strand). Cytogenetic location: 16p13.3.
Variant type: single nucleotide variant.
Coding change: c.1262T>A on transcript NM_022773.4 (MANE Select); coding-DNA position 1262, T replaced by A.
Protein change: p.Leu421Gln; replaces leucine 421 with glutamine.
Molecular consequence: missense variant. On other transcripts: non-coding transcript variant (1).
Genome position (GRCh38, 1-based): chr16:870,037, A>T on the plus strand (T>A on the coding strand, the complement: LMF1 is on the minus strand). VCF-style: chr16-870037-A-T. GRCh37 (hg19) VCF-style: chr16-920037-A-T.
Other names: c.611T>A, p.Leu204Gln (NM_001352017.2, NM_001352021.2); c.863T>A, p.Leu288Gln (NM_001352018.2); c.935T>A, p.Leu312Gln (NM_001352019.2); c.1262T>A, p.Leu421Gln (NM_001352020.1); short protein forms L204Q, L312Q, L421Q, L288Q.
Identifiers: ClinVar variation 3119261 (VCV003119261.2), dbSNP rs2069735152, ClinGen allele CA394124604.

ClinVar aggregate classification (germline): Uncertain significance (1 of 4 stars; one submission).

Conditions:
Cardiovascular phenotype. Identifiers: MedGen CN230736.

Allele frequency attached by ClinVar (database versions not stated): gnomAD 0.00001; TOPMed 0.00002.
gnomAD v4.1: 2 of 1,611,634 alleles (0.00012%); highest among the groups gnomAD compares: Admixed American, 0.0033%; no homozygotes.

Submission:

Ambry Genetics
Classification: Uncertain significance for Cardiovascular phenotype. Last evaluated: 2024-10-08. Review status: criteria provided, single submitter. Criteria: Ambry Variant Classification Scheme 2023. Collection method: clinical testing. Allele origin: germline.
Comment: The p.L421Q variant (also known as c.1262T>A), located in coding exon 9 of the LMF1 gene, results from a T to A substitution at nucleotide position 1262. The leucine at codon 421 is replaced by glutamine, an amino acid with dissimilar properties. This amino acid position is conserved. In addition, the in silico prediction for this alteration is inconclusive. Based on the available evidence, the clinical significance of this variant remains unclear.